The following is an entry in ClinVar:

NM_004519.4(KCNQ3):c.2128T>C (p.Tyr710His)

Gene: KCNQ3 (potassium voltage-gated channel subfamily Q member 3; minus strand). Cytogenetic location: 8q24.22.
Variant type: single nucleotide variant.
Coding change: c.2128T>C on transcript NM_004519.4 (MANE Select); coding-DNA position 2128, T replaced by C.
Protein change: p.Tyr710His; replaces tyrosine 710 with histidine.
Molecular consequence: missense variant.
Genome position (GRCh38, 1-based): chr8:132,129,753, A>G on the plus strand (T>C on the coding strand, the complement: KCNQ3 is on the minus strand). VCF-style: chr8-132129753-A-G. GRCh37 (hg19) VCF-style: chr8-133142000-A-G.
Other names: p.Y710H:TAT>CAT; c.1768T>C, p.Tyr590His (NM_001204824.2); short protein forms Y710H, Y590H.
Identifiers: ClinVar variation 205984 (VCV000205984.16), dbSNP rs181746838, ClinGen allele CA315634.

ClinVar aggregate classification (germline): Benign/Likely benign. Review status: criteria provided, multiple submitters, no conflicts (2 of 4 stars). 4 submissions from 4 submitters: Benign (1); Likely benign (3). Last evaluated 2025-09-13.

Conditions:
KCNQ3-related disorder. Also called: KCNQ3-related condition; KCNQ3-Related Disorders. Identifiers: MedGen CN381530.
Inborn genetic diseases. Identifiers: MedGen C0950123, MeSH D030342.
Benign neonatal seizures. Also called: Benign familial neonatal seizures; Benign neonatal familial convulsions; Benign familial neonatal epilepsy; Convulsions benign familial neonatal dominant form; Autosomal dominant form of benign neonatal seizures. Identifiers: Orphanet 1949, MedGen C0220669, MONDO:0016027.

Allele frequency attached by ClinVar (database versions not stated): gnomAD 0.00002 and 0.00007; gnomAD exomes 0.00002 and 0.00008; TOPMed 0.00003; ExAC 0.00007; 1000 Genomes Project 0.00100; 1000 Genomes Project 30x 0.00125.
gnomAD v4.1: 61 of 1,614,084 alleles (0.0038%); highest among the groups gnomAD compares: East Asian, 0.08%; no homozygotes.

Submissions (4):

Labcorp Genetics (formerly Invitae), Labcorp
Classification: Likely benign for Benign neonatal seizures. Last evaluated: 2025-09-13. Review status: criteria provided, single submitter. Criteria: Invitae Variant Classification Sherloc (09022015). Collection method: clinical testing. Allele origin: germline.

PreventionGenetics, part of Exact Sciences
Classification: Likely benign for KCNQ3-related condition. Last evaluated: 2025-03-19. Review status: criteria provided, single submitter. Criteria: ACMG Guidelines, 2015. Collection method: clinical testing. Allele origin: germline.
Comment: This variant is classified as likely benign based on ACMG/AMP sequence variant interpretation guidelines (Richards et al. 2015 PMID: 25741868, with internal and published modifications).

Ambry Genetics
Classification: Benign for Inborn genetic diseases. Last evaluated: 2020-01-24. Review status: criteria provided, single submitter. Criteria: Ambry Variant Classification Scheme 2023. Collection method: clinical testing. Allele origin: germline.

GeneDx
Classification: Likely benign. Last evaluated: 2019-07-19. Review status: criteria provided, single submitter. Criteria: GeneDx Variant Classification Process June 2021. Collection method: clinical testing. Allele origin: germline. Affected: yes.
Comment: In silico analysis, which includes protein predictors and evolutionary conservation, supports that this variant does not alter protein structure/function; Has not been previously published as pathogenic or benign to our knowledge; This variant is associated with the following publications: (PMID: 31031587)